The following is an entry in ClinVar:

NM_020919.4(ALS2):c.4897C>T (p.Gln1633Ter)

Gene: ALS2 (alsin Rho guanine nucleotide exchange factor ALS2; minus strand). Cytogenetic location: 2q33.1.
Variant type: single nucleotide variant.
Coding change: c.4897C>T on transcript NM_020919.4 (MANE Select); coding-DNA position 4897, C replaced by T.
Protein change: p.Gln1633Ter; replaces glutamine 1633 with a stop codon.
Molecular consequence: nonsense.
Genome position (GRCh38, 1-based): chr2:201,704,160, G>A on the plus strand (C>T on the coding strand, the complement: ALS2 is on the minus strand). VCF-style: chr2-201704160-G-A. GRCh37 (hg19) VCF-style: chr2-202568883-G-A.
Other names: short protein forms Q1633*.
Identifiers: ClinVar variation 208757 (VCV000208757.8), dbSNP rs797044934, ClinGen allele CA204834.

ClinVar aggregate classification (germline): Conflicting classifications of pathogenicity. Review status: criteria provided, conflicting classifications (1 of 4 stars). 3 submissions from 3 submitters: Pathogenic (1); Likely pathogenic (1); Uncertain significance (1). Last evaluated 2023-12-05.

Conditions:
Inborn genetic diseases. Identifiers: MedGen C0950123, MeSH D030342.
Infantile-onset ascending hereditary spastic paralysis (IAHSP). Also called: Autosomal Recessive Juvenile Amyotrophic Lateral Sclerosis; Infantile-Onset Ascending Hereditary Spastic Paralysis (IAHSP). Identifiers: Orphanet 293168, MedGen C2931441, MONDO:0011797, OMIM 607225. Disease mechanism: loss of function.

Allele frequency attached by ClinVar (database versions not stated): gnomAD exomes below 0.00001.
gnomAD v4.1: 1 of 1,614,004 alleles (0.000062%); highest among the groups gnomAD compares: Non-Finnish European, 0.000085%; no homozygotes.

Submissions (3):

GeneDx
Classification: Likely pathogenic. Last evaluated: 2023-12-05. Review status: criteria provided, single submitter. Criteria: GeneDx Variant Classification Process June 2021. Collection method: clinical testing. Allele origin: germline. Affected: yes.
Comment: Not observed at significant frequency in large population cohorts (gnomAD); Nonsense variant predicted to result in protein truncation as the last 25 amino acids are lost, although loss-of-function variants have not been reported downstream of this position in the protein; This variant is associated with the following publications: (PMID: 25356970, 25131622)

Labcorp Genetics (formerly Invitae), Labcorp
Classification: Uncertain significance for Infantile-onset ascending hereditary spastic paralysis. Last evaluated: 2023-11-10. Review status: criteria provided, single submitter. Criteria: Invitae Variant Classification Sherloc (09022015). Collection method: clinical testing. Allele origin: germline.
Comment: This sequence change creates a premature translational stop signal (p.Gln1633*) in the ALS2 gene. While this is not anticipated to result in nonsense mediated decay, it is expected to disrupt the last 25 amino acid(s) of the ALS2 protein. This variant is not present in population databases (gnomAD no frequency). This premature translational stop signal has been observed in individual(s) with clinical features of hereditary spastic paraplegia (PMID: 25131622, 25356970). ClinVar contains an entry for this variant (Variation ID: 208757). This variant disrupts a region of the ALS2 protein in which other variant(s) (p.Gln1637*) have been observed in individuals with ALS2-related conditions (Invitae). This suggests that this is a clinically significant region of the protein, and that variants that disrupt it are likely to be disease-causing. In summary, the available evidence is currently insufficient to determine the role of this variant in disease. Therefore, it has been classified as a Variant of Uncertain Significance.

Ambry Genetics
Classification: Pathogenic for Inborn genetic diseases. Last evaluated: 2013-05-28. Review status: criteria provided, single submitter. Criteria: Ambry Autosomal Dominant and X-Linked criteria (10/2015). Collection method: clinical testing. Allele origin: germline. Observed: 1 variant allele.

Literature cited by the submitters: PubMed 25131622 (cited by Labcorp Genetics (formerly Invitae), Labcorp); PubMed 25356970 (cited by Labcorp Genetics (formerly Invitae), Labcorp).